The following is an entry in ClinVar:

ClinVar aggregate classification (germline): Uncertain significance (1 of 4 stars; one submission).

Conditions:
Idiopathic generalized epilepsy. Also called: EIG; Generalised epilepsy. Identifiers: MedGen C0270850, MONDO:0005579, OMIM 600669.
Hyperaldosteronism, familial, type IV (HALD4). Also called: FH IV; ALDOSTERONISM, PRIMARY, AND HYPERTENSION. Identifiers: Orphanet 642671, MedGen C4310756, MONDO:0014875, OMIM 617027.

Submission:

Labcorp Genetics (formerly Invitae), Labcorp
Classification: Uncertain significance for Idiopathic generalized epilepsy; Hyperaldosteronism, familial, type IV. Last evaluated: 2024-12-10. Review status: criteria provided, single submitter. Criteria: Invitae Variant Classification Sherloc (09022015). Collection method: clinical testing. Allele origin: germline.
Comment: This sequence change affects an acceptor splice site in intron 12 of the CACNA1H gene. It is expected to disrupt RNA splicing. Variants that disrupt the donor or acceptor splice site typically lead to a loss of protein function (PMID: 16199547), however the current clinical and genetic evidence is not sufficient to establish whether loss-of-function variants in CACNA1H cause disease. This variant is not present in population databases (gnomAD no frequency). This variant has not been reported in the literature in individuals affected with CACNA1H-related conditions. Algorithms developed to predict the effect of sequence changes on RNA splicing suggest that this variant may disrupt the consensus splice site. In summary, the available evidence is currently insufficient to determine the role of this variant in disease. Therefore, it has been classified as a Variant of Uncertain Significance.

Literature cited by the submitters: PubMed 16199547.

NM_021098.3(CACNA1H):c.2790-2A>T

Gene: CACNA1H (calcium voltage-gated channel subunit alpha1 H; plus strand). Cytogenetic location: 16p13.3.
Variant type: single nucleotide variant.
Coding change: c.2790-2A>T on transcript NM_021098.3 (MANE Select); the canonical splice acceptor site of the intron before coding-DNA position 2790, A replaced by T.
Molecular consequence: splice acceptor variant.
Genome position (GRCh38, 1-based): chr16:1,206,999, A>T. VCF-style: chr16-1206999-A-T. GRCh37 (hg19) VCF-style: chr16-1256999-A-T.
Other names: c.2790-2A>T (NM_001005407.2).
Identifiers: ClinVar variation 3757911 (VCV003757911.2).